The following is an entry in ClinVar:

NM_003482.4(KMT2D):c.2058T>G (p.Ala686=)

Gene: KMT2D (lysine methyltransferase 2D; minus strand). Cytogenetic location: 12q13.12.
Variant type: single nucleotide variant.
Coding change: c.2058T>G on transcript NM_003482.4 (MANE Select); coding-DNA position 2058, T replaced by G.
Protein change: p.Ala686=; no amino-acid change (alanine 686 retained).
Molecular consequence: synonymous variant.
Genome position (GRCh38, 1-based): chr12:49,051,625, A>C on the plus strand (T>G on the coding strand, the complement: KMT2D is on the minus strand). VCF-style: chr12-49051625-A-C. GRCh37 (hg19) VCF-style: chr12-49445408-A-C.
Identifiers: ClinVar variation 4820864 (VCV004820864.4).
Genomic context (GRCh38, chr12:49,051,625, plus strand): 5'-AGGTGAGTCCTCAGGTGGTGGGGATGTGGGGGAGTCCTCAGGTGGTGGGGAGAGGCGTGA[A>C]GCCTCAGGTGGAGGGGACGTGGGAGACTCCTCAGGCGGTGGGGACAAGGGAGATTCCTCA-3'
Protein context (NP_003473.3, residues 676-696): EESPTSPPPE[Ala686=]SRLSPPPEDS

ClinVar aggregate classification (germline): Likely benign (1 of 4 stars; one submission).

Submission:

CeGaT Center for Human Genetics Tuebingen
Classification: Likely benign. Last evaluated: 2026-02-01. Review status: criteria provided, single submitter. Criteria: CeGaT Center For Human Genetics Tuebingen Variant Classification Criteria Version 2. Collection method: clinical testing. Allele origin: germline. Affected: yes. Observed: 1 variant allele.
Comment: KMT2D: PM2:Supporting, BP4, BP7